The following is an entry in ClinVar:

ClinVar aggregate classification (germline): Uncertain significance (1 of 4 stars; one submission).

Conditions:
Dilated cardiomyopathy 1DD (CMD1DD). Identifiers: Orphanet 154, MedGen C2750995, MONDO:0013168, OMIM 613172.

Submission:

Labcorp Genetics (formerly Invitae), Labcorp
Classification: Uncertain significance for Dilated cardiomyopathy 1DD. Last evaluated: 2025-11-18. Review status: criteria provided, single submitter. Criteria: Invitae Variant Classification Sherloc (09022015). Collection method: clinical testing. Allele origin: germline.
Comment: This sequence change replaces leucine, which is neutral and non-polar, with arginine, which is basic and polar, at codon 89 of the RBM20 protein (p.Leu89Arg). This variant is not present in population databases (gnomAD no frequency). This variant has not been reported in the literature in individuals affected with RBM20-related conditions. Invitae Evidence Modeling of protein sequence and biophysical properties (such as structural, functional, and spatial information, amino acid conservation, physicochemical variation, residue mobility, and thermodynamic stability) has been performed for this missense variant. However, the output from this modeling did not meet the statistical confidence thresholds required to predict the impact of this variant on RBM20 protein function. In summary, the available evidence is currently insufficient to determine the role of this variant in disease. Therefore, it has been classified as a Variant of Uncertain Significance.

NM_001134363.3(RBM20):c.266T>G (p.Leu89Arg)

Gene: RBM20 (RNA binding motif protein 20; plus strand). Cytogenetic location: 10q25.2.
Variant type: single nucleotide variant.
Coding change: c.266T>G on transcript NM_001134363.3 (MANE Select); coding-DNA position 266, T replaced by G.
Protein change: p.Leu89Arg; replaces leucine 89 with arginine.
Molecular consequence: missense variant.
Genome position (GRCh38, 1-based): chr10:110,780,875, T>G. VCF-style: chr10-110780875-T-G. GRCh37 (hg19) VCF-style: chr10-112540633-T-G.
Other names: short protein forms L89R.
Identifiers: ClinVar variation 4778186 (VCV004778186.1).